The following is an entry in ClinVar:

NM_001001331.4(ATP2B2):c.2020G>A (p.Val674Met)

Gene: ATP2B2 (ATPase plasma membrane Ca2+ transporting 2; minus strand). Cytogenetic location: 3p25.3.
Variant type: single nucleotide variant.
Coding change: c.2020G>A on transcript NM_001001331.4 (MANE Select); coding-DNA position 2020, G replaced by A.
Protein change: p.Val674Met; replaces valine 674 with methionine.
Molecular consequence: missense variant.
Genome position (GRCh38, 1-based): chr3:10,358,807, C>T on the plus strand (G>A on the coding strand, the complement: ATP2B2 is on the minus strand). VCF-style: chr3-10358807-C-T. GRCh37 (hg19) VCF-style: chr3-10400491-C-T.
Other names: c.1885G>A, p.Val629Met (NM_001363862.1, NM_001683.5, NM_001330611.3 and 1 more transcripts); short protein forms V629M, V674M.
Identifiers: ClinVar variation 2882915 (VCV002882915.3), dbSNP rs772900118, ClinGen allele CA2253513.
Genomic context (GRCh38, chr3:10,358,807, plus strand): 5'-GGATGTCATTCTCATTGTCCCAGTCCGGCTCCGGGCTGCTGGGGAAGTCGCGGTAGGCCA[C>T]GCAGATAGTGCGGAGCCCATCGCAAGCCATGGGCTCAATCACCTTCTTTACCATCTCGTC-3'
Protein context (NP_001001331.1, residues 664-684): MACDGLRTIC[Val674Met]AYRDFPSSPE

ClinVar aggregate classification (germline): Uncertain significance (1 of 4 stars; one submission).

Allele frequency attached by ClinVar (database versions not stated): gnomAD exomes 0.00001; TOPMed 0.00001; ExAC 0.00002; gnomAD 0.00002.
gnomAD v4.1: 17 of 1,614,134 alleles (0.0011%); highest among the groups gnomAD compares: South Asian, 0.0055%; no homozygotes.

Submission:

Labcorp Genetics (formerly Invitae), Labcorp
Classification: Uncertain significance. Last evaluated: 2023-10-29. Review status: criteria provided, single submitter. Criteria: Invitae Variant Classification Sherloc (09022015). Collection method: clinical testing. Allele origin: germline.
Comment: This sequence change replaces valine, which is neutral and non-polar, with methionine, which is neutral and non-polar, at codon 629 of the ATP2B2 protein (p.Val629Met). This variant is present in population databases (rs772900118, gnomAD 0.008%). This variant has not been reported in the literature in individuals affected with ATP2B2-related conditions. Advanced modeling of protein sequence and biophysical properties (such as structural, functional, and spatial information, amino acid conservation, physicochemical variation, residue mobility, and thermodynamic stability) performed at Invitae indicates that this missense variant is not expected to disrupt ATP2B2 protein function with a negative predictive value of 80%. In summary, the available evidence is currently insufficient to determine the role of this variant in disease. Therefore, it has been classified as a Variant of Uncertain Significance.